The following is an entry in ClinVar:

NM_021831.6(AGBL5):c.883G>A (p.Asp295Asn)

Gene: AGBL5 (AGBL carboxypeptidase 5; plus strand). Cytogenetic location: 2p23.3.
Variant type: single nucleotide variant.
Coding change: c.883G>A on transcript NM_021831.6 (MANE Select); coding-DNA position 883, G replaced by A.
Protein change: p.Asp295Asn; replaces aspartic acid 295 with asparagine.
Molecular consequence: missense variant. On other transcripts: non-coding transcript variant (2).
Genome position (GRCh38, 1-based): chr2:27,055,228, G>A. VCF-style: chr2-27055228-G-A. GRCh37 (hg19) VCF-style: chr2-27278096-G-A.
Other names: c.883G>A, p.Asp295Asn (NM_001035507.3); short protein forms D295N.
Identifiers: ClinVar variation 242932 (VCV000242932.7), dbSNP rs879253768, ClinGen allele CA10584033.
Genomic context (GRCh38, chr2:27,055,228, plus strand): 5'-CCCCGGGCCCAAACCCTCCGTCGCCTCTTCGTCTTTAAGCTGATTCCCATGTTGAACCCC[G>A]ATGGTGTGGTCCGGGGACACTACCGGTAAGTGGCTTCCCCAGCCTGTCTGGACTGTTCCC-3'
Protein context (NP_068603.4, residues 285-305): VFKLIPMLNP[Asp295Asn]GVVRGHYRTD

ClinVar aggregate classification (germline): Pathogenic. Review status: criteria provided, single submitter (1 of 4 stars). 2 submissions from 2 submitters: Pathogenic (1). 1 of the submissions does not count toward it. Last evaluated 2025-01-27.

Conditions:
Retinitis pigmentosa 75 (RP75). Identifiers: Orphanet 791, MedGen C4310759, MONDO:0014871, OMIM 617023.

Allele frequency attached by ClinVar (database versions not stated): gnomAD exomes below 0.00001; gnomAD 0.00001.

Submissions (2):

Labcorp Genetics (formerly Invitae), Labcorp
Classification: Pathogenic. Last evaluated: 2025-01-27. Review status: criteria provided, single submitter. Criteria: Invitae Variant Classification Sherloc (09022015). Collection method: clinical testing. Allele origin: germline.
Comment: This sequence change replaces aspartic acid, which is acidic and polar, with asparagine, which is neutral and polar, at codon 295 of the AGBL5 protein (p.Asp295Asn). This variant is present in population databases (no rsID available, gnomAD 0.003%). This missense change has been observed in individuals with retinitis pigmentosa (PMID: 26720455; internal data). It has also been observed to segregate with disease in related individuals. ClinVar contains an entry for this variant (Variation ID: 242932). An algorithm developed to predict the effect of missense changes on protein structure and function (PolyPhen-2) suggests that this variant is likely to be disruptive. This variant disrupts the p.Asp295His amino acid residue in AGBL5. Other variant(s) that disrupt this residue have been observed in individuals with AGBL5-related conditions (internal data), which suggests that this may be a clinically significant amino acid residue. For these reasons, this variant has been classified as Pathogenic.

OMIM
Classification: Pathogenic for RETINITIS PIGMENTOSA 75. Last evaluated: 2017-09-06. Review status: no assertion criteria provided. Collection method: literature only. Allele origin: germline. Not counted in ClinVar's aggregate classification.

Literature cited by the submitters: PubMed 26720455 (cited by Labcorp Genetics (formerly Invitae), Labcorp and OMIM).